The following is an entry in ClinVar:

NM_001283009.2(RTEL1):c.3766del (p.Gln1256fs)

Genes: RTEL1 (regulator of telomere elongation helicase 1; plus strand), RTEL1-TNFRSF6B (RTEL1-TNFRSF6B readthrough (NMD candidate); plus strand). Cytogenetic location: 20q13.33.
Variant type: Deletion.
Coding change: c.3766del on transcript NM_001283009.2 (MANE Select); coding-DNA position 3766, one base deleted (C; older notation c.3766delC).
Protein change: p.Gln1256fs; shifts the reading frame from glutamine 1256.
Molecular consequence: frameshift variant. On other transcripts: non-coding transcript variant (1), intron variant (3).
Genome position (GRCh38, 1-based): chr20:63,695,594, C deleted; the last of 2 consecutive C bases (chr20:63,695,593-63,695,594); deleting either gives the same sequence. VCF-style (leftmost placement, unchanged base first): chr20-63695592-TC-T. GRCh37 (hg19) VCF-style: chr20-62326945-TC-T.
Other names: c.2983+114del (NM_001283010.1); c.3724+114del (NM_032957.5); c.3652+114del (NM_016434.4); short protein forms Q1256fs.
Identifiers: ClinVar variation 4783950 (VCV004783950.1).

ClinVar aggregate classification (germline): Pathogenic (1 of 4 stars; one submission).

Conditions:
Pulmonary fibrosis and/or bone marrow failure, Telomere-related, 3. Also called: PULMONARY FIBROSIS AND/OR BONE MARROW FAILURE SYNDROME, TELOMERE-RELATED, 3. Identifiers: Orphanet 2032, MedGen C4225346, MONDO:0014613, OMIM 616373.
Dyskeratosis congenita, autosomal recessive 5 (DKCB5). Identifiers: MedGen C3554656, MONDO:0014076, OMIM 615190.

Submission:

Labcorp Genetics (formerly Invitae), Labcorp
Classification: Pathogenic for Dyskeratosis congenita, autosomal recessive 5; Pulmonary fibrosis and/or bone marrow failure, Telomere-related, 3. Last evaluated: 2025-05-15. Review status: criteria provided, single submitter. Criteria: Invitae Variant Classification Sherloc (09022015). Collection method: clinical testing. Allele origin: germline.
Comment: This sequence change is expected to alter the c-terminus of the RTEL1 protein (p.Gln1256Serfs*108). While this is not anticipated to result in nonsense mediated decay, it is expected to disrupt the last 45 amino acid(s) of the RTEL1 protein and extend the protein by 62 additional amino acid residues. This variant is not present in population databases (gnomAD no frequency). This variant has not been reported in the literature in individuals affected with RTEL1-related conditions. This variant disrupts a region of the RTEL1 protein in which other variant(s) (Arg1264His) have been determined to be pathogenic (PMID: 23453664, 24009516, 25047097, 25099625, 26025130). This suggests that this is a clinically significant region of the protein, and that variants that disrupt it are likely to be disease-causing. For these reasons, this variant has been classified as Pathogenic.

Literature cited by the submitters: PubMed 23453664; PubMed 24009516; PubMed 25047097; PubMed 25099625; PubMed 26025130.